The following is an entry in ClinVar:

NM_001195263.2(PDZD7):c.166C>T (p.Arg56Cys)

Gene: PDZD7 (PDZ domain containing 7; minus strand). Cytogenetic location: 10q24.31.
Variant type: single nucleotide variant.
Coding change: c.166C>T on transcript NM_001195263.2 (MANE Select); coding-DNA position 166, C replaced by T.
Protein change: p.Arg56Cys; replaces arginine 56 with cysteine.
Molecular consequence: missense variant.
Genome position (GRCh38, 1-based): chr10:101,030,054, G>A on the plus strand (C>T on the coding strand, the complement: PDZD7 is on the minus strand). VCF-style: chr10-101030054-G-A. GRCh37 (hg19) VCF-style: chr10-102789811-G-A.
Other names: c.166C>T, p.Arg56Cys (NM_001351044.2, NM_024895.5); short protein forms R56C.
Identifiers: ClinVar variation 1973027 (VCV001973027.5), dbSNP rs765884556, ClinGen allele CA5654495.
Genomic context (GRCh38, chr10:101,030,054, plus strand): 5'-CTTCGATGGGGGAGTTGATGAGGATGACGCGTCCCATGGGCGATGAGGCTCGGATTCCGC[G>A]GGGGGGCCCGTTCAGCAGCCGTTGTTGCTTCCTTAGCAGGTATCGCGTTGCGGTGGAGCC-3'
Protein context (NP_001182192.1, residues 46-66): KQQRLLNGPP[Arg56Cys]GIRASSPMGR

ClinVar aggregate classification (germline): Uncertain significance (1 of 4 stars; one submission).

Allele frequency attached by ClinVar (database versions not stated): ExAC 0.00001; gnomAD 0.00001; gnomAD exomes 0.00001; TOPMed 0.00001.

Submission:

Labcorp Genetics (formerly Invitae), Labcorp
Classification: Uncertain significance. Last evaluated: 2022-04-01. Review status: criteria provided, single submitter. Criteria: Invitae Variant Classification Sherloc (09022015). Collection method: clinical testing. Allele origin: germline.
Comment: In summary, the available evidence is currently insufficient to determine the role of this variant in disease. Therefore, it has been classified as a Variant of Uncertain Significance. Algorithms developed to predict the effect of missense changes on protein structure and function are either unavailable or do not agree on the potential impact of this missense change (SIFT: "Deleterious"; PolyPhen-2: "Not Available"; Align-GVGD: "Class C0"). This variant has not been reported in the literature in individuals affected with PDZD7-related conditions. This variant is present in population databases (rs765884556, gnomAD 0.003%). This sequence change replaces arginine, which is basic and polar, with cysteine, which is neutral and slightly polar, at codon 56 of the PDZD7 protein (p.Arg56Cys).